The following is an entry in ClinVar:

ClinVar aggregate classification (germline): Conflicting classifications of pathogenicity. Review status: criteria provided, conflicting classifications (1 of 4 stars). 5 submissions from 5 submitters: Uncertain significance (3); Likely benign (1). 1 of the submissions does not count toward it. Last evaluated 2026-02-02.

Conditions:
Propionic acidemia (PROP). Also called: GLYCINEMIA, KETOTIC; HYPERGLYCINEMIA WITH KETOACIDOSIS AND LEUKOPENIA; KETOTIC HYPERGLYCINEMIA. Identifiers: Orphanet 35, MedGen C0268579, MONDO:0011628, OMIM 606054, HP:0003571.
PCCA-related disorder. Also called: PCCA-related condition.

Allele frequency attached by ClinVar (database versions not stated): ExAC 0.00045; ESP Exome Variant Server 0.00138; gnomAD 0.00156 and 0.00159; TOPMed 0.00164; 1000 Genomes Project 0.00280; 1000 Genomes Project 30x 0.00281.
gnomAD v4.1: 438 of 1,597,172 alleles (0.027%); highest among the groups gnomAD compares: African/African-American, 0.52%; 1 homozygote.

Submissions (6):

Labcorp Genetics (formerly Invitae), Labcorp
Classification: Likely benign for Propionic acidemia. Last evaluated: 2026-02-02. Review status: criteria provided, single submitter. Criteria: Invitae Variant Classification Sherloc (09022015). Collection method: clinical testing. Allele origin: germline.

Women's Health and Genetics/Laboratory Corporation of America, LabCorp
Classification: Uncertain significance. Last evaluated: 2023-08-16. Review status: criteria provided, single submitter. Criteria: LabCorp Variant Classification Summary - May 2015. Collection method: clinical testing. Allele origin: germline.
Comment: Variant summary: PCCA c.1558A>T (p.Ser520Cys) results in a non-conservative amino acid change in the encoded protein sequence. Three of five in-silico tools predict a benign effect of the variant on protein function. The variant allele was found at a frequency of 0.00037 in 251172 control chromosomes (gnomAD). This frequency is not significantly higher than estimated for a pathogenic variant in PCCA causing Propionic Acidemia (0.00037 vs 0.0022), allowing no conclusion about variant significance. To our knowledge, no occurrence of c.1558A>T in individuals affected with Propionic Acidemia and no experimental evidence demonstrating its impact on protein function have been reported. Three submitters have cited clinical-significance assessments for this variant to ClinVar after 2014 and classified the variant as likely benign (n=1) or VUS (n=2). Based on the evidence outlined above, the variant was classified as uncertain significance.

GeneDx
Classification: Uncertain significance. Last evaluated: 2022-10-19. Review status: criteria provided, single submitter. Criteria: GeneDx Variant Classification Process June 2021. Collection method: clinical testing. Allele origin: germline. Affected: yes.
Comment: In silico analysis supports that this missense variant has a deleterious effect on protein structure/function; Has not been previously published as pathogenic or benign to our knowledge

Illumina Laboratory Services, Illumina
Classification: Uncertain significance for Propionic acidemia. Last evaluated: 2018-01-13. Review status: criteria provided, single submitter. Criteria: ICSL Variant Classification Criteria 13 December 2019. Collection method: clinical testing. Allele origin: germline.

PreventionGenetics, part of Exact Sciences
Classification: Likely benign for PCCA-related condition. Last evaluated: 2019-04-29. Review status: no assertion criteria provided. Collection method: clinical testing. Allele origin: germline. Not counted in ClinVar's aggregate classification.
Comment: This variant is classified as likely benign based on ACMG/AMP sequence variant interpretation guidelines (Richards et al. 2015 PMID: 25741868, with internal and published modifications).

Dr. Peter K. Rogan Lab, Western University
No classification provided (evidence only). Condition: Nonpapillary renal cell carcinoma. Review status: no classification provided. Collection method: in vitro. Allele origin: not applicable. Functional consequence: skipped exon, retained intron. Not counted in ClinVar's aggregate classification.

NM_000282.4(PCCA):c.1558A>T (p.Ser520Cys)

Gene: PCCA (propionyl-CoA carboxylase subunit alpha; plus strand). Cytogenetic location: 13q32.3.
Variant type: single nucleotide variant.
Coding change: c.1558A>T on transcript NM_000282.4 (MANE Select); coding-DNA position 1558, A replaced by T.
Protein change: p.Ser520Cys; replaces serine 520 with cysteine.
Molecular consequence: missense variant. On other transcripts: non-coding transcript variant (5).
Genome position (GRCh38, 1-based): chr13:100,340,174, A>T. VCF-style: chr13-100340174-A-T. GRCh37 (hg19) VCF-style: chr13-100992428-A-T.
Other names: c.1480A>T, p.Ser494Cys (NM_001127692.3, NM_001352607.2); c.1558A>T, p.Ser520Cys (NM_001178004.2, NM_001352605.2, NM_001352609.2); c.1414A>T, p.Ser472Cys (NM_001352606.2); c.1336A>T, p.Ser446Cys (NM_001352608.2); c.613A>T, p.Ser205Cys (NM_001352610.2, NM_001352611.2); c.469A>T, p.Ser157Cys (NM_001352612.2); short protein forms S520C, S205C, S472C, S157C, S446C, S494C.
Identifiers: ClinVar variation 429410 (VCV000429410.23), dbSNP rs112237881, ClinGen allele CA7033719.